The following is an entry in ClinVar:

NM_000936.4(PNLIP):c.1335-3C>T

Gene: PNLIP (pancreatic lipase; plus strand). Cytogenetic location: 10q25.3.
Variant type: single nucleotide variant.
Coding change: c.1335-3C>T on transcript NM_000936.4 (MANE Select); 3 bases into the intron before coding-DNA position 1335, C replaced by T.
Molecular consequence: intron variant.
Genome position (GRCh38, 1-based): chr10:116,567,732, C>T. VCF-style: chr10-116567732-C-T. GRCh37 (hg19) VCF-style: chr10-118327244-C-T.
Identifiers: ClinVar variation 2071052 (VCV002071052.3), dbSNP rs750564141, ClinGen allele CA5706777.
Genomic context (GRCh38, chr10:116,567,732, plus strand): 5'-ACTGTCACACTCCAGATATGTGCCAGGAAGAGGAGGTGACTTTGTGTTGTTTTTTCTCCA[C>T]AGGTTCAACTTCTGTAGTCCAGAAACCGTCAGGGAGGAAGTTCTGCTCACCCTCACACCG-3'

ClinVar aggregate classification (germline): Uncertain significance (1 of 4 stars; one submission).

Allele frequency attached by ClinVar (database versions not stated): TOPMed below 0.00001; gnomAD 0.00001; ExAC 0.00002; gnomAD exomes 0.00003.
gnomAD v4.1: 41 of 1,613,234 alleles (0.0025%); highest among the groups gnomAD compares: South Asian, 0.045%; 1 homozygote.

Submission:

Labcorp Genetics (formerly Invitae), Labcorp
Classification: Uncertain significance. Last evaluated: 2025-08-07. Review status: criteria provided, single submitter. Criteria: Invitae Variant Classification Sherloc (09022015). Collection method: clinical testing. Allele origin: germline.
Comment: This sequence change falls in intron 12 of the PNLIP gene. It does not directly change the encoded amino acid sequence of the PNLIP protein. It affects a nucleotide within the consensus splice site. This variant is present in population databases (rs750564141, gnomAD 0.04%). This variant has not been reported in the literature in individuals affected with PNLIP-related conditions. ClinVar contains an entry for this variant (Variation ID: 2071052). Variants that disrupt the consensus splice site are a relatively common cause of aberrant splicing (PMID: 17576681, 9536098). Algorithms developed to predict the effect of sequence changes on RNA splicing suggest that this variant is not likely to affect RNA splicing. In summary, the available evidence is currently insufficient to determine the role of this variant in disease. Therefore, it has been classified as a Variant of Uncertain Significance.

Literature cited by the submitters: PubMed 17576681; PubMed 9536098.